The following is an entry in ClinVar:

ClinVar aggregate classification (germline): Uncertain significance (1 of 4 stars; one submission).

gnomAD v4.1: 1 of 1,614,244 alleles (0.000062%); highest among the groups gnomAD compares: Admixed American, 0.0017%; no homozygotes.

Submission:

Labcorp Genetics (formerly Invitae), Labcorp
Classification: Uncertain significance. Last evaluated: 2025-03-17. Review status: criteria provided, single submitter. Criteria: Invitae Variant Classification Sherloc (09022015). Collection method: clinical testing. Allele origin: germline.
Comment: This sequence change replaces aspartic acid, which is acidic and polar, with asparagine, which is neutral and polar, at codon 231 of the DLL1 protein (p.Asp231Asn). This variant is not present in population databases (gnomAD no frequency). This variant has not been reported in the literature in individuals affected with DLL1-related conditions. ClinVar contains an entry for this variant (Variation ID: 2975316). An algorithm developed to predict the effect of missense changes on protein structure and function (PolyPhen-2) suggests that this variant is likely to be tolerated. In summary, the available evidence is currently insufficient to determine the role of this variant in disease. Therefore, it has been classified as a Variant of Uncertain Significance.

NM_005618.4(DLL1):c.691G>A (p.Asp231Asn)

Gene: DLL1 (delta like canonical Notch ligand 1; minus strand). Cytogenetic location: 6q27.
Variant type: single nucleotide variant.
Coding change: c.691G>A on transcript NM_005618.4 (MANE Select); coding-DNA position 691, G replaced by A.
Protein change: p.Asp231Asn; replaces aspartic acid 231 with asparagine.
Molecular consequence: missense variant.
Genome position (GRCh38, 1-based): chr6:170,286,278, C>T on the plus strand (G>A on the coding strand, the complement: DLL1 is on the minus strand). VCF-style: chr6-170286278-C-T. GRCh37 (hg19) VCF-style: chr6-170595366-C-T.
Other names: short protein forms D231N.
Identifiers: ClinVar variation 2975316 (VCV002975316.3), dbSNP rs2483353831, ClinGen allele CA366508996.